The following is an entry in ClinVar:

NC_000023.10:g.(?_139585150)_(139587235_?)del

Gene: SOX3 (SRY-box transcription factor 3; minus strand). Cytogenetic location: Xq27.1.
Variant type: Deletion.
Identifiers: ClinVar variation 4689391 (VCV004689391.1).

ClinVar aggregate classification (germline): Pathogenic (1 of 4 stars; one submission).

Conditions:
SOX3-related disorder. Also called: SOX3-related condition; SOX3-Related Disorders.

Submission:

Women's Health and Genetics/Laboratory Corporation of America, LabCorp
Classification: Pathogenic for SOX3-Related Disorders. Last evaluated: 2026-01-14. Review status: criteria provided, single submitter. Criteria: LabCorp Variant Classification Summary - May 2015. Collection method: clinical testing. Allele origin: germline.
Comment: Variant summary: The variant involves the deletion of exon 1 in the SOX3 gene. A presumed nomenclature of c.(?_-10)_(*735_?)del has been designated for the purposes of this classification. This deletion includes the entire coding sequence of the gene. As the exact proximal and distal breakpoints are unknown, it may extend beyond the annotated region of the gene to include other flanking genes. Loss-of-function variants in this gene are known to be pathogenic. The variant was absent in 16120 control chromosomes. To our knowledge, no occurrence of c.(?_-10)_(*735_?)del in individuals affected with SOX3-related conditions and no experimental evidence demonstrating its impact on protein function have been reported. No submitters have cited clinical-significance assessments for this variant to ClinVar. Based on the evidence outlined above, the variant was classified as pathogenic.